The following is an entry in ClinVar:

ClinVar aggregate classification (germline): Uncertain significance. Review status: criteria provided, multiple submitters, no conflicts (2 of 4 stars). 2 submissions from 2 submitters: Uncertain significance (2). Last evaluated 2025-05-27.

Conditions:
Myopathy, centronuclear, 5 (CNM5). Identifiers: Orphanet 169186, MedGen C4014814, MONDO:0014418, OMIM 615959.

Allele frequency attached by ClinVar (database versions not stated): gnomAD exomes 0.00007; gnomAD 0.00002; TOPMed 0.00002.

Submissions (2):

Revvity Omics, Revvity
Classification: Uncertain significance for Myopathy, centronuclear, 5. Last evaluated: 2025-05-27. Review status: criteria provided, single submitter. Criteria: ACMG Guidelines, 2015. Collection method: clinical testing. Allele origin: germline.

Labcorp Genetics (formerly Invitae), Labcorp
Classification: Uncertain significance. Last evaluated: 2022-08-13. Review status: criteria provided, single submitter. Criteria: Invitae Variant Classification Sherloc (09022015). Collection method: clinical testing. Allele origin: germline.
Comment: This variant, c.202_207del, results in the deletion of 2 amino acid(s) of the SPEG protein (p.Gly68_Thr69del), but otherwise preserves the integrity of the reading frame. The frequency data for this variant in the population databases is considered unreliable, as metrics indicate poor data quality at this position in the gnomAD database. This variant has not been reported in the literature in individuals affected with SPEG-related conditions. Experimental studies and prediction algorithms are not available or were not evaluated, and the functional significance of this variant is currently unknown. In summary, the available evidence is currently insufficient to determine the role of this variant in disease. Therefore, it has been classified as a Variant of Uncertain Significance.

NM_005876.5(SPEG):c.202_207del (p.Gly68_Thr69del)

Gene: SPEG (striated muscle enriched protein kinase; plus strand). Cytogenetic location: 2q35.
Variant type: Deletion.
Coding change: c.202_207del on transcript NM_005876.5 (MANE Select); coding-DNA positions 202 to 207, 6 bases deleted (GGGACG; older notation c.202_207delGGGACG).
Protein change: p.Gly68_Thr69del.
Molecular consequence: inframe deletion.
Genome position (GRCh38, 1-based): chr2:219,435,179-219,435,184, GGGACG deleted. VCF-style (leftmost placement, unchanged base first): chr2-219435178-CGGGACG-C. GRCh37 (hg19) VCF-style: chr2-220299900-CGGGACG-C.
Identifiers: ClinVar variation 1930514 (VCV001930514.3), dbSNP rs778934904, ClinGen allele CA2125350.